The following is an entry in ClinVar:

ClinVar aggregate classification (germline): Uncertain significance. Review status: criteria provided, multiple submitters, no conflicts (2 of 4 stars). 2 submissions from 2 submitters: Uncertain significance (2). Last evaluated 2025-10-15.

Conditions:
Pheochromocytoma/paraganglioma syndrome 4. Also called: SDHB-Related Hereditary Paraganglioma-Pheochromocytoma Syndrome (Paragangliomas 4); SDHB-Related Hereditary Paraganglioma-Pheochromocytoma Syndrome; CAROTID BODY TUMORS AND MULTIPLE EXTRAADRENAL PHEOCHROMOCYTOMAS; PARAGANGLIOMA, FAMILIAL MALIGNANT; PARAGANGLIOMAS, HEREDITARY EXTRAADRENAL; PHEOCHROMOCYTOMA, FAMILIAL EXTRAADRENAL. Identifiers: Orphanet 29072, MedGen C1861848, MONDO:0007273, OMIM 115310.
Pheochromocytoma. Also called: MAX-Related Hereditary Paraganglioma-Pheochromocytoma Syndrome. Identifiers: Orphanet 29072, MedGen C0031511, MONDO:0008233, OMIM 171300, HP:0002666.
Gastrointestinal stromal tumor. Also called: Gastrointestinal stromal tumor, somatic; Gastrointestinal stroma tumor. Identifiers: Orphanet 44890, MedGen C0238198, MeSH D046152, MONDO:0011719, OMIM 606764, HP:0100723.
Hereditary cancer-predisposing syndrome. Also called: Neoplastic Syndromes, Hereditary; Tumor predisposition; Hereditary Cancer Syndrome; Hereditary neoplastic syndrome. Identifiers: Orphanet 140162, MedGen C0027672, MeSH D009386, MONDO:0015356.

Allele frequency attached by ClinVar (database versions not stated): gnomAD exomes below 0.00001 and 0.00001; TOPMed below 0.00001; ExAC 0.00001.
gnomAD v4.1: 2 of 1,613,876 alleles (0.00012%); highest among the groups gnomAD compares: East Asian, 0.0045%; no homozygotes.

Submissions (2):

Ambry Genetics
Classification: Uncertain significance for Hereditary cancer-predisposing syndrome. Last evaluated: 2025-10-15. Review status: criteria provided, single submitter. Criteria: Ambry Variant Classification Scheme 2023. Collection method: clinical testing. Allele origin: germline.
Comment: The p.K255N variant (also known as c.765G>C), located in coding exon 7 of the SDHB gene, results from a G to C substitution at nucleotide position 765. The amino acid change results in lysine to asparagine at codon 255, an amino acid with similar properties. However, this change occurs in the last base pair of coding exon 7, which makes it likely to have some effect on normal mRNA splicing. This nucleotide position is highly conserved in available vertebrate species. This amino acid position is highly conserved in available vertebrate species. In silico splice site analysis predicts that this alteration will not have any significant effect on splicing; however, direct evidence is insufficient at this time (Ambry internal data). In addition, as a missense substitution this alteration is predicted to be deleterious by in silico analysis. Based on the available evidence, the clinical significance of this variant remains unclear.

Labcorp Genetics (formerly Invitae), Labcorp
Classification: Uncertain significance for Gastrointestinal stromal tumor; Pheochromocytoma/paraganglioma syndrome 4; Pheochromocytoma. Last evaluated: 2025-08-24. Review status: criteria provided, single submitter. Criteria: Invitae Variant Classification Sherloc (09022015). Collection method: clinical testing. Allele origin: germline.
Comment: This sequence change replaces lysine, which is basic and polar, with asparagine, which is neutral and polar, at codon 255 of the SDHB protein (p.Lys255Asn). This variant also falls at the last nucleotide of exon 7, which is part of the consensus splice site for this exon. This variant is present in population databases (rs761295633, gnomAD 0.01%). This variant has not been reported in the literature in individuals affected with SDHB-related conditions. ClinVar contains an entry for this variant (Variation ID: 658364). An algorithm developed to predict the effect of missense changes on protein structure and function (PolyPhen-2) suggests that this variant is likely to be disruptive. Variants that disrupt the consensus splice site are a relatively common cause of aberrant splicing (PMID: 17576681, 9536098). In summary, the available evidence is currently insufficient to determine the role of this variant in disease. Therefore, it has been classified as a Variant of Uncertain Significance.

Literature cited by the submitters: PubMed 17576681 (cited by Labcorp Genetics (formerly Invitae), Labcorp); PubMed 9536098 (cited by Labcorp Genetics (formerly Invitae), Labcorp).

NM_003000.3(SDHB):c.765G>C (p.Lys255Asn)

Gene: SDHB (succinate dehydrogenase complex iron sulfur subunit B; minus strand). Cytogenetic location: 1p36.13.
Variant type: single nucleotide variant.
Coding change: c.765G>C on transcript NM_003000.3 (MANE Select); coding-DNA position 765, G replaced by C.
Protein change: p.Lys255Asn; replaces lysine 255 with asparagine.
Molecular consequence: missense variant.
Genome position (GRCh38, 1-based): chr1:17,022,608, C>G on the plus strand (G>C on the coding strand, the complement: SDHB is on the minus strand). VCF-style: chr1-17022608-C-G. GRCh37 (hg19) VCF-style: chr1-17349103-C-G.
Other names: short protein forms K255N.
Identifiers: ClinVar variation 658364 (VCV000658364.8), dbSNP rs761295633, ClinGen allele CA089758.